The following is an entry in ClinVar:

NM_000268.4(NF2):c.278C>T (p.Thr93Ile)

Gene: NF2 (NF2, moesin-ezrin-radixin like (MERLIN) tumor suppressor; plus strand). Cytogenetic location: 22q12.2.
Variant type: single nucleotide variant.
Coding change: c.278C>T on transcript NM_000268.4 (MANE Select); coding-DNA position 278, C replaced by T.
Protein change: p.Thr93Ile; replaces threonine 93 with isoleucine.
Molecular consequence: missense variant. On other transcripts: 5 prime UTR variant (1), intron variant (8).
Genome position (GRCh38, 1-based): chr22:29,639,127, C>T. VCF-style: chr22-29639127-C-T. GRCh37 (hg19) VCF-style: chr22-30035116-C-T.
Other names: c.164C>T, p.Thr55Ile (NM_001407053.1, NM_001407056.1); c.152C>T, p.Thr51Ile (NM_001407055.1, NM_181828.3); c.278C>T, p.Thr93Ile (NM_001407057.1, NM_001407059.1, NM_001407060.1 and 5 more transcripts); c.-363C>T (NM_001407065.1); c.47C>T, p.Thr16Ile (NM_001407067.1); c.240+2251C>T (NM_001407058.1, NM_181829.3, NM_001407054.1 and 1 more transcripts); c.115-3075C>T (NM_001407063.1, NM_181830.3, NM_001407064.1 and 1 more transcripts); short protein forms T55I, T16I, T51I, T93I.
Identifiers: ClinVar variation 3727804 (VCV003727804.2).

ClinVar aggregate classification (germline): Uncertain significance (1 of 4 stars; one submission).

Conditions:
Neurofibromatosis, type 2 (SWNV). Also called: BILATERAL ACOUSTIC NEUROFIBROMATOSIS; NF2-Related Schwannomatosis; SCHWANNOMATOSIS, VESTIBULAR. Identifiers: Orphanet 637, MedGen C0027832, MONDO:0007039, OMIM 101000. Disease mechanism: loss of function.

gnomAD v4.1: 1 of 1,614,182 alleles (0.000062%); highest among the groups gnomAD compares: South Asian, 0.0011%; no homozygotes.

Submission:

Labcorp Genetics (formerly Invitae), Labcorp
Classification: Uncertain significance for Neurofibromatosis, type 2. Last evaluated: 2025-01-19. Review status: criteria provided, single submitter. Criteria: Invitae Variant Classification Sherloc (09022015). Collection method: clinical testing. Allele origin: germline.
Comment: This sequence change replaces threonine, which is neutral and polar, with isoleucine, which is neutral and non-polar, at codon 93 of the NF2 protein (p.Thr93Ile). This variant is not present in population databases (gnomAD no frequency). This variant has not been reported in the literature in individuals affected with NF2-related conditions. Invitae Evidence Modeling of protein sequence and biophysical properties (such as structural, functional, and spatial information, amino acid conservation, physicochemical variation, residue mobility, and thermodynamic stability) indicates that this missense variant is not expected to disrupt NF2 protein function with a negative predictive value of 80%. In summary, the available evidence is currently insufficient to determine the role of this variant in disease. Therefore, it has been classified as a Variant of Uncertain Significance.